The following is an entry in ClinVar:

ClinVar aggregate classification (germline): Benign/Likely benign. Review status: criteria provided, multiple submitters, no conflicts (2 of 4 stars). 7 submissions from 7 submitters: Benign (1); Likely benign (5). 1 of the submissions does not count toward it. Last evaluated 2026-07-30.

Conditions:
Hereditary cancer-predisposing syndrome. Also called: Hereditary Cancer Syndrome; Hereditary neoplastic syndrome; Neoplastic Syndromes, Hereditary; Tumor predisposition. Identifiers: Orphanet 140162, MedGen C0027672, MeSH D009386, MONDO:0015356.
TMEM127-related disorder. Also called: TMEM127-related condition.
Hereditary pheochromocytoma and paraganglioma. Also called: Hereditary Paraganglioma-Pheochromocytoma Syndromes; Hereditary paragangliomas and pheochromocytomas; Hereditary pheochromocytoma-paraganglioma. Identifiers: Orphanet 29072, MedGen C4274332, MONDO:0017366.

Allele frequency attached by ClinVar (database versions not stated): ExAC 0.00009; TOPMed 0.00035; ESP Exome Variant Server 0.00015; gnomAD exomes 0.00004 and 0.00009; gnomAD 0.00025 and 0.00028.

Submissions (7):

Myriad Genetics, Inc.
Classification: Benign for Hereditary pheochromocytoma and paraganglioma. Last evaluated: 2026-07-30. Review status: criteria provided, single submitter. Criteria: Myriad Autosomal Dominant, Autosomal Recessive and X-Linked Classification Criteria (2023). Collection method: clinical testing. Allele origin: unknown.
Comment: This variant is considered benign. This variant is a silent/synonymous amino acid change and it is not expected to impact splicing.

CeGaT Center for Human Genetics Tuebingen
Classification: Likely benign. Last evaluated: 2026-06-01. Review status: criteria provided, single submitter. Criteria: CeGaT Center For Human Genetics Tuebingen Variant Classification Criteria Version 2. Collection method: clinical testing. Allele origin: germline. Affected: yes. Observed: 4 variant alleles.
Comment: TMEM127: BP4, BP7

Labcorp Genetics (formerly Invitae), Labcorp
Classification: Likely benign for Hereditary pheochromocytoma and paraganglioma. Last evaluated: 2026-01-14. Review status: criteria provided, single submitter. Criteria: Invitae Variant Classification Sherloc (09022015). Collection method: clinical testing. Allele origin: germline.

Blueprint Genetics
Classification: Likely benign. Last evaluated: 2024-06-07. Review status: criteria provided, single submitter. Criteria: ACMG Guidelines, 2015. Collection method: clinical testing. Allele origin: germline.

Ambry Genetics
Classification: Likely benign for Hereditary cancer-predisposing syndrome. Last evaluated: 2023-11-28. Review status: criteria provided, single submitter. Criteria: Ambry Variant Classification Scheme 2023. Collection method: clinical testing. Allele origin: germline.

Sema4
Classification: Likely benign for Hereditary cancer-predisposing syndrome. Last evaluated: 2021-11-14. Review status: criteria provided, single submitter. Criteria: Sema4 Curation Guidelines. Collection method: curation. Allele origin: germline.

PreventionGenetics, part of Exact Sciences
Classification: Likely benign for TMEM127-related condition. Last evaluated: 2019-02-20. Review status: no assertion criteria provided. Collection method: clinical testing. Allele origin: germline. Not counted in ClinVar's aggregate classification.
Comment: This variant is classified as likely benign based on ACMG/AMP sequence variant interpretation guidelines (Richards et al. 2015 PMID: 25741868, with internal and published modifications).

Literature cited by the submitters: PubMed 22136840 (cited by Sema4); PubMed 21156949 (cited by Sema4).

NM_017849.4(TMEM127):c.573G>A (p.Thr191=)

Gene: TMEM127 (transmembrane protein 127; minus strand). Cytogenetic location: 2q11.2.
Variant type: single nucleotide variant.
Coding change: c.573G>A on transcript NM_017849.4 (MANE Select); coding-DNA position 573, G replaced by A.
Protein change: p.Thr191=; no amino-acid change (threonine 191 retained).
Molecular consequence: synonymous variant.
Genome position (GRCh38, 1-based): chr2:96,253,952, C>T on the plus strand (G>A on the coding strand, the complement: TMEM127 is on the minus strand). VCF-style: chr2-96253952-C-T. GRCh37 (hg19) VCF-style: chr2-96919690-C-T.
Other names: c.573G>A, p.Thr191= (NM_001193304.3).
Identifiers: ClinVar variation 413244 (VCV000413244.43), dbSNP rs147816248, ClinGen allele CA1777276.